The following is an entry in ClinVar:

NM_001999.4(FBN2):c.672G>T (p.Met224Ile)

Gene: FBN2 (fibrillin 2; minus strand). Cytogenetic location: 5q23.3.
Variant type: single nucleotide variant.
Coding change: c.672G>T on transcript NM_001999.4 (MANE Select); coding-DNA position 672, G replaced by T.
Protein change: p.Met224Ile; replaces methionine 224 with isoleucine.
Molecular consequence: missense variant.
Genome position (GRCh38, 1-based): chr5:128,464,878, C>A on the plus strand (G>T on the coding strand, the complement: FBN2 is on the minus strand). VCF-style: chr5-128464878-C-A. GRCh37 (hg19) VCF-style: chr5-127800571-C-A.
Other names: short protein forms M224I.
Identifiers: ClinVar variation 519839 (VCV000519839.20), dbSNP rs371292311, ClinGen allele CA3396030.

ClinVar aggregate classification (germline): Conflicting classifications of pathogenicity. Review status: criteria provided, conflicting classifications (1 of 4 stars). 5 submissions from 5 submitters: Uncertain significance (3); Likely benign (2). Last evaluated 2026-03-01.

Conditions:
Congenital contractural arachnodactyly (CCA). Also called: BEALS SYNDROME; Beals-Hecht syndrome; Arthrogryposis, distal, type 9. Identifiers: Orphanet 115, MedGen C0220668, MONDO:0007363, OMIM 121050.
Familial thoracic aortic aneurysm and aortic dissection (TAAD). Also called: Thoracic aortic aneurysms and dissections. Identifiers: Orphanet 91387, MedGen C4707243, MONDO:0019625.

Allele frequency attached by ClinVar (database versions not stated): gnomAD exomes 0.00002; TOPMed 0.00002; ExAC 0.00004; ESP Exome Variant Server 0.00008.
gnomAD v4.1: 16 of 1,614,116 alleles (0.00099%); highest among the groups gnomAD compares: Non-Finnish European, 0.0014%; no homozygotes.

Submissions (5):

CeGaT Center for Human Genetics Tuebingen
Classification: Uncertain significance. Last evaluated: 2026-03-01. Review status: criteria provided, single submitter. Criteria: CeGaT Center For Human Genetics Tuebingen Variant Classification Criteria Version 2. Collection method: clinical testing. Allele origin: germline. Affected: yes. Observed: 1 variant allele.
Comment: FBN2: PP3

Labcorp Genetics (formerly Invitae), Labcorp
Classification: Likely benign for Congenital contractural arachnodactyly. Last evaluated: 2026-01-19. Review status: criteria provided, single submitter. Criteria: Invitae Variant Classification Sherloc (09022015). Collection method: clinical testing. Allele origin: germline.

Ambry Genetics
Classification: Uncertain significance for Familial thoracic aortic aneurysm and aortic dissection. Last evaluated: 2025-04-09. Review status: criteria provided, single submitter. Criteria: Ambry Variant Classification Scheme 2023. Collection method: clinical testing. Allele origin: germline.
Comment: The p.M224I variant (also known as c.672G>T), located in coding exon 6 of the FBN2 gene, results from a G to T substitution at nucleotide position 672. The methionine at codon 224 is replaced by isoleucine, an amino acid with highly similar properties. This amino acid position is highly conserved in available vertebrate species. In addition, the in silico prediction for this alteration is inconclusive. Since supporting evidence is limited at this time, the clinical significance of this alteration remains unclear.

GeneDx
Classification: Uncertain significance. Last evaluated: 2024-07-18. Review status: criteria provided, single submitter. Criteria: GeneDx Variant Classification Process June 2021. Collection method: clinical testing. Allele origin: germline. Affected: yes.
Comment: Has not been previously published as pathogenic or benign to our knowledge; Not observed at significant frequency in large population cohorts (gnomAD); In silico analysis supports that this missense variant has a deleterious effect on protein structure/function; Does not occur within a calcium-binding-EGF-like domain (PMID: 19006240, 18767143); This variant is associated with the following publications: (PMID: 19006240, 18767143)

Blueprint Genetics
Classification: Likely benign. Last evaluated: 2022-08-15. Review status: criteria provided, single submitter. Criteria: ACMG Guidelines, 2015. Collection method: clinical testing. Allele origin: germline.